The following is an entry in ClinVar:

NM_005732.4(RAD50):c.2287C>T (p.Arg763Cys)

Gene: RAD50 (RAD50 double strand break repair protein; plus strand). Cytogenetic location: 5q31.1.
Variant type: single nucleotide variant.
Coding change: c.2287C>T on transcript NM_005732.4 (MANE Select); coding-DNA position 2287, C replaced by T.
Protein change: p.Arg763Cys; replaces arginine 763 with cysteine.
Molecular consequence: missense variant.
Genome position (GRCh38, 1-based): chr5:132,603,379, C>T. VCF-style: chr5-132603379-C-T. GRCh37 (hg19) VCF-style: chr5-131939071-C-T.
Other names: short protein forms R763C.
Identifiers: ClinVar variation 482085 (VCV000482085.15), dbSNP rs369996457, ClinGen allele CA3405363.

ClinVar aggregate classification (germline): Uncertain significance. Review status: criteria provided, multiple submitters, no conflicts (2 of 4 stars). 3 submissions from 3 submitters: Uncertain significance (3). Last evaluated 2024-08-13.

Conditions:
Hereditary cancer-predisposing syndrome. Also called: Neoplastic Syndromes, Hereditary; Tumor predisposition; Hereditary Cancer Syndrome; Hereditary neoplastic syndrome. Identifiers: Orphanet 140162, MedGen C0027672, MeSH D009386, MONDO:0015356.
Hereditary breast ovarian cancer syndrome. Also called: Hereditary breast and ovarian cancer syndrome; Hereditary breast and ovarian cancer; Hereditary breast and ovarian cancer syndrome (HBOC); Breast and ovarian cancer; Hereditary breast and/or ovarian cancer syndrome; BRCA1- and BRCA2-Associated Hereditary Breast and Ovarian Cancer. Identifiers: Orphanet 145, MedGen C0677776, MeSH D061325, MONDO:0003582. Disease mechanism: loss of function.

Allele frequency attached by ClinVar (database versions not stated): ExAC 0.00001; gnomAD exomes 0.00001; TOPMed 0.00002; ESP Exome Variant Server 0.00008.
gnomAD v4.1: 8 of 1,613,640 alleles (0.0005%); highest among the groups gnomAD compares: East Asian, 0.0022%; no homozygotes.

Submissions (3):

Labcorp Genetics (formerly Invitae), Labcorp
Classification: Uncertain significance for Hereditary cancer-predisposing syndrome. Last evaluated: 2024-08-13. Review status: criteria provided, single submitter. Criteria: Invitae Variant Classification Sherloc (09022015). Collection method: clinical testing. Allele origin: germline.
Comment: This sequence change replaces arginine, which is basic and polar, with cysteine, which is neutral and slightly polar, at codon 763 of the RAD50 protein (p.Arg763Cys). This variant is present in population databases (rs369996457, gnomAD 0.007%). This variant has not been reported in the literature in individuals affected with RAD50-related conditions. ClinVar contains an entry for this variant (Variation ID: 482085). Advanced modeling of protein sequence and biophysical properties (such as structural, functional, and spatial information, amino acid conservation, physicochemical variation, residue mobility, and thermodynamic stability) performed at Invitae indicates that this missense variant is expected to disrupt RAD50 protein function with a positive predictive value of 80%. In summary, the available evidence is currently insufficient to determine the role of this variant in disease. Therefore, it has been classified as a Variant of Uncertain Significance.

Ambry Genetics
Classification: Uncertain significance for Hereditary cancer-predisposing syndrome. Last evaluated: 2022-12-23. Review status: criteria provided, single submitter. Criteria: Ambry Variant Classification Scheme 2023. Collection method: clinical testing. Allele origin: germline.
Comment: The p.R763C variant (also known as c.2287C>T), located in coding exon 14 of the RAD50 gene, results from a C to T substitution at nucleotide position 2287. The arginine at codon 763 is replaced by cysteine, an amino acid with highly dissimilar properties. This amino acid position is well conserved in available vertebrate species. In addition, the in silico prediction for this alteration is inconclusive. Since supporting evidence is limited at this time, the clinical significance of p.R763C remains unclear.

Cancer Genomics Group, Japanese Foundation For Cancer Research
Classification: Uncertain significance for Hereditary breast and ovarian cancer syndrome. Last evaluated: 2019-05-01. Review status: criteria provided, single submitter. Criteria: ACMG Guidelines, 2015. Collection method: research. Allele origin: germline. Affected: yes.